The following is an entry in ClinVar:

NM_014850.4(SRGAP3):c.1905C>T (p.Phe635=)

Gene: SRGAP3 (SLIT-ROBO Rho GTPase activating protein 3; minus strand). Cytogenetic location: 3p25.3.
Variant type: single nucleotide variant.
Coding change: c.1905C>T on transcript NM_014850.4 (MANE Select); coding-DNA position 1905, C replaced by T.
Protein change: p.Phe635=; no amino-acid change (phenylalanine 635 retained).
Molecular consequence: synonymous variant.
Genome position (GRCh38, 1-based): chr3:9,013,751, G>A on the plus strand (C>T on the coding strand, the complement: SRGAP3 is on the minus strand). VCF-style: chr3-9013751-G-A. GRCh37 (hg19) VCF-style: chr3-9055435-G-A.
Other names: c.1833C>T, p.Phe611= (NM_001033117.3).
Identifiers: ClinVar variation 773569 (VCV000773569.28), dbSNP rs145531861, ClinGen allele CA2237647.

ClinVar aggregate classification (germline): Likely benign. Review status: criteria provided, multiple submitters, no conflicts (2 of 4 stars). 4 submissions from 4 submitters: Likely benign (3). 1 of the submissions does not count toward it. Last evaluated 2024-11-25.

Conditions:
SRGAP3-related disorder. Also called: SRGAP3-related condition.

Allele frequency attached by ClinVar (database versions not stated): 1000 Genomes Project 30x 0.00016; 1000 Genomes Project 0.00020; gnomAD exomes 0.00140 and 0.00187; ExAC 0.00143; gnomAD 0.00149 and 0.00154; TOPMed 0.00158; ESP Exome Variant Server 0.00161.
gnomAD v4.1: 2,998 of 1,614,180 alleles (0.19%); highest among the groups gnomAD compares: Middle Eastern, 0.31%; 7 homozygotes.

Submissions (4):

Blueprint Genetics
Classification: Likely benign. Last evaluated: 2024-11-25. Review status: criteria provided, single submitter. Criteria: ACMG Guidelines, 2015. Collection method: clinical testing. Allele origin: germline.

CeGaT Center for Human Genetics Tuebingen
Classification: Likely benign. Last evaluated: 2024-02-01. Review status: criteria provided, single submitter. Criteria: CeGaT Center For Human Genetics Tuebingen Variant Classification Criteria Version 2. Collection method: clinical testing. Allele origin: germline. Affected: yes. Observed: 1 variant allele.
Comment: SRGAP3: BP4, BP7, BS2

Labcorp Genetics (formerly Invitae), Labcorp
Classification: Likely benign. Last evaluated: 2019-12-31. Review status: criteria provided, single submitter. Criteria: Invitae Variant Classification Sherloc (09022015). Collection method: clinical testing. Allele origin: germline.

PreventionGenetics, part of Exact Sciences
Classification: Likely benign for SRGAP3-related condition. Last evaluated: 2019-05-01. Review status: no assertion criteria provided. Collection method: clinical testing. Allele origin: germline. Not counted in ClinVar's aggregate classification.
Comment: This variant is classified as likely benign based on ACMG/AMP sequence variant interpretation guidelines (Richards et al. 2015 PMID: 25741868, with internal and published modifications).